The following is an entry in ClinVar:

ClinVar aggregate classification (germline): Uncertain significance (1 of 4 stars; one submission).

Conditions:
Dilated cardiomyopathy 1O (CMD1O). Also called: CARDIOMYOPATHY, DILATED, WITH VENTRICULAR TACHYCARDIA. Identifiers: Orphanet 154, MedGen C1837839, MONDO:0012062, OMIM 608569.

Submission:

Labcorp Genetics (formerly Invitae), Labcorp
Classification: Uncertain significance for Dilated cardiomyopathy 1O. Last evaluated: 2020-12-08. Review status: criteria provided, single submitter. Criteria: Invitae Variant Classification Sherloc (09022015). Collection method: clinical testing. Allele origin: germline.
Comment: This variant has not been reported in the literature in individuals with ABCC9-related conditions. This variant is not present in population databases (ExAC no frequency). This sequence change replaces tryptophan with cysteine at codon 73 of the ABCC9 protein (p.Trp73Cys). The tryptophan residue is moderately conserved and there is a large physicochemical difference between tryptophan and cysteine. Algorithms developed to predict the effect of missense changes on protein structure and function are either unavailable or do not agree on the potential impact of this missense change (SIFT: "Tolerated"; PolyPhen-2: "Probably Damaging"; Align-GVGD: "Class C0"). In summary, the available evidence is currently insufficient to determine the role of this variant in disease. Therefore, it has been classified as a Variant of Uncertain Significance.

NM_020297.4(ABCC9):c.219G>T (p.Trp73Cys)

Gene: ABCC9 (ATP binding cassette subfamily C member 9; minus strand). Cytogenetic location: 12p12.1.
Variant type: single nucleotide variant.
Coding change: c.219G>T on transcript NM_020297.4 (MANE Select); coding-DNA position 219, G replaced by T.
Protein change: p.Trp73Cys; replaces tryptophan 73 with cysteine.
Molecular consequence: missense variant. On other transcripts: 5 prime UTR variant (1).
Genome position (GRCh38, 1-based): chr12:21,933,847, C>A on the plus strand (G>T on the coding strand, the complement: ABCC9 is on the minus strand). VCF-style: chr12-21933847-C-A. GRCh37 (hg19) VCF-style: chr12-22086781-C-A.
Other names: c.219G>T, p.Trp73Cys (NM_001377273.1, NM_005691.4); c.-236G>T (NM_001377274.1); short protein forms W73C.
Identifiers: ClinVar variation 1428260 (VCV001428260.8), dbSNP rs1949379806, ClinGen allele CA384131581.